The following is an entry in ClinVar:

NM_000320.3(QDPR):c.409G>A (p.Ala137Thr)

Gene: QDPR (quinoid dihydropteridine reductase; minus strand). Cytogenetic location: 4p15.32.
Variant type: single nucleotide variant.
Coding change: c.409G>A on transcript NM_000320.3 (MANE Select); coding-DNA position 409, G replaced by A.
Protein change: p.Ala137Thr; replaces alanine 137 with threonine.
Molecular consequence: missense variant. On other transcripts: non-coding transcript variant (1).
Genome position (GRCh38, 1-based): chr4:17,501,746, C>T on the plus strand (G>A on the coding strand, the complement: QDPR is on the minus strand). VCF-style: chr4-17501746-C-T. GRCh37 (hg19) VCF-style: chr4-17503369-C-T.
Other names: c.409G>A (NM_000320.2); c.316G>A, p.Ala106Thr (NM_001306140.2); short protein forms A106T, A137T.
Identifiers: ClinVar variation 1481442 (VCV001481442.7), dbSNP rs778631854, ClinGen allele CA2868127.
Genomic context (GRCh38, chr4:17,501,746, plus strand): 5'-CCCCACTCCACAGATAGGGAAATAAAGGCTTACCAGGAGTCCCATCCAGGGCAGCCTTTG[C>T]GCCAGCCAAGGTCAGGAGGCCTCCTTCCTTGAGATGCTTGGTAGCCAGATGGCTGGAGAT-3'
Protein context (NP_000311.2, residues 127-147): KEGGLLTLAG[Ala137Thr]KAALDGTPGM

ClinVar aggregate classification (germline): Uncertain significance. Review status: criteria provided, multiple submitters, no conflicts (2 of 4 stars). 2 submissions from 2 submitters: Uncertain significance (2). Last evaluated 2025-11-26.

Conditions:
Dihydropteridine reductase deficiency (HPABH4C). Also called: DHPR DEFICIENCY; BH4-Deficient Hyperphenylalaninemia C; Hyperphenylalaninemia due to dihydropteridine reductase deficiency; Hyperphenylalaninemia, BH-4-deficient, C; Phenylketonuria type 2; HYPERPHENYLALANINEMIA, TETRAHYDROBIOPTERIN-DEFICIENT, DUE TO DHPR DEFICIENCY. Identifiers: Orphanet 226, Orphanet 238583, MedGen C0268465, MONDO:0009862, OMIM 261630.
Inborn genetic diseases. Identifiers: MedGen C0950123, MeSH D030342.

Allele frequency attached by ClinVar (database versions not stated): ExAC 0.00002; gnomAD exomes 0.00001 and 0.00002; TOPMed 0.00002; gnomAD 0.00003 and 0.00004.
gnomAD v4.1: 39 of 1,613,978 alleles (0.0024%); highest among the groups gnomAD compares: East Asian, 0.038%; no homozygotes.

Submissions (2):

Ambry Genetics
Classification: Uncertain significance for Inborn genetic diseases. Last evaluated: 2025-11-26. Review status: criteria provided, single submitter. Criteria: Ambry Variant Classification Scheme 2023. Collection method: clinical testing. Allele origin: germline.

Labcorp Genetics (formerly Invitae), Labcorp
Classification: Uncertain significance for Dihydropteridine reductase deficiency. Last evaluated: 2022-07-13. Review status: criteria provided, single submitter. Criteria: Invitae Variant Classification Sherloc (09022015). Collection method: clinical testing. Allele origin: germline.
Comment: This sequence change replaces alanine, which is neutral and non-polar, with threonine, which is neutral and polar, at codon 137 of the QDPR protein (p.Ala137Thr). The frequency data for this variant in the population databases is considered unreliable, as metrics indicate poor data quality at this position in the gnomAD database. This variant has not been reported in the literature in individuals affected with QDPR-related conditions. ClinVar contains an entry for this variant (Variation ID: 1481442). Algorithms developed to predict the effect of missense changes on protein structure and function (SIFT, PolyPhen-2, Align-GVGD) all suggest that this variant is likely to be disruptive. In summary, the available evidence is currently insufficient to determine the role of this variant in disease. Therefore, it has been classified as a Variant of Uncertain Significance.